The following is an entry in ClinVar:

ClinVar aggregate classification (germline): Likely benign (1 of 4 stars; one submission).

Conditions:
Breast-ovarian cancer, familial, susceptibility to, 4. Identifiers: Orphanet 145, MedGen C3280345, MONDO:0013669, OMIM 614291.

Submission:

Myriad Genetics, Inc.
Classification: Likely benign for Breast-ovarian cancer, familial, susceptibility to, 4. Last evaluated: 2025-02-20. Review status: criteria provided, single submitter. Criteria: Myriad Autosomal Dominant, Autosomal Recessive and X-Linked Classification Criteria (2023). Collection method: clinical testing. Allele origin: unknown.
Comment: This variant is considered likely benign. This variant is intronic and is not expected to impact mRNA splicing.

NM_002878.4(RAD51D):c.264-15C>T

Genes: RAD51D (RAD51 paralog D; minus strand), RAD51L3-RFFL (RAD51L3-RFFL readthrough; minus strand). Cytogenetic location: 17q12.
Variant type: single nucleotide variant.
Coding change: c.264-15C>T on transcript NM_002878.4 (MANE Select); 15 bases into the intron before coding-DNA position 264, C replaced by T.
Molecular consequence: intron variant.
Genome position (GRCh38, 1-based): chr17:35,107,462, G>A on the plus strand (C>T on the coding strand, the complement: RAD51D is on the minus strand). VCF-style: chr17-35107462-G-A. GRCh37 (hg19) VCF-style: chr17-33434481-G-A.
Other names: c.145-981C>T (NM_133629.3); c.324-15C>T (NM_001142571.2).
Identifiers: ClinVar variation 3903709 (VCV003903709.1).